The following is an entry in ClinVar:

NM_002334.4(LRP4):c.2738G>A (p.Gly913Glu)

Gene: LRP4 (LDL receptor related protein 4; minus strand). Cytogenetic location: 11p11.2.
Variant type: single nucleotide variant.
Coding change: c.2738G>A on transcript NM_002334.4 (MANE Select); coding-DNA position 2738, G replaced by A.
Protein change: p.Gly913Glu; replaces glycine 913 with glutamic acid.
Molecular consequence: missense variant.
Genome position (GRCh38, 1-based): chr11:46,881,778, C>T on the plus strand (G>A on the coding strand, the complement: LRP4 is on the minus strand). VCF-style: chr11-46881778-C-T. GRCh37 (hg19) VCF-style: chr11-46903329-C-T.
Other names: short protein forms G913E.
Identifiers: ClinVar variation 582578 (VCV000582578.9), dbSNP rs376848284, ClinGen allele CA5969814.

ClinVar aggregate classification (germline): Uncertain significance. Review status: criteria provided, multiple submitters, no conflicts (2 of 4 stars). 3 submissions from 3 submitters: Uncertain significance (3). Last evaluated 2025-09-22.

Conditions:
Cenani-Lenz syndactyly syndrome. Also called: CENANI SYNDACTYLISM; SYNDACTYLY, TYPE VII. Identifiers: Orphanet 3258, MedGen C1859309, MONDO:0008931, OMIM 212780.
Sclerosteosis 2 (SOST2). Identifiers: Orphanet 3152, MedGen C3280402, MONDO:0013679, OMIM 614305.
Congenital myasthenic syndrome 17. Identifiers: Orphanet 590, MedGen C4225377, MONDO:0014578, OMIM 616304.
Inborn genetic diseases. Identifiers: MedGen C0950123, MeSH D030342.

Allele frequency attached by ClinVar (database versions not stated): TOPMed 0.00003; gnomAD exomes 0.00005 and 0.00001; ESP Exome Variant Server 0.00008; ExAC 0.00002; gnomAD 0.00004 and 0.00003.
gnomAD v4.1: 70 of 1,613,856 alleles (0.0043%); highest among the groups gnomAD compares: Non-Finnish European, 0.0058%; no homozygotes.

Submissions (3):

Ambry Genetics
Classification: Uncertain significance for Inborn genetic diseases. Last evaluated: 2025-09-22. Review status: criteria provided, single submitter. Criteria: Ambry Variant Classification Scheme 2023. Collection method: clinical testing. Allele origin: germline.

Labcorp Genetics (formerly Invitae), Labcorp
Classification: Uncertain significance for Cenani-Lenz syndactyly syndrome; Sclerosteosis 2; Congenital myasthenic syndrome 17. Last evaluated: 2023-08-22. Review status: criteria provided, single submitter. Criteria: Invitae Variant Classification Sherloc (09022015). Collection method: clinical testing. Allele origin: germline.
Comment: In summary, the available evidence is currently insufficient to determine the role of this variant in disease. Therefore, it has been classified as a Variant of Uncertain Significance. Advanced modeling of protein sequence and biophysical properties (such as structural, functional, and spatial information, amino acid conservation, physicochemical variation, residue mobility, and thermodynamic stability) performed at Invitae indicates that this missense variant is not expected to disrupt LRP4 protein function. ClinVar contains an entry for this variant (Variation ID: 582578). This variant has not been reported in the literature in individuals affected with LRP4-related conditions. This variant is present in population databases (rs376848284, gnomAD 0.005%). This sequence change replaces glycine, which is neutral and non-polar, with glutamic acid, which is acidic and polar, at codon 913 of the LRP4 protein (p.Gly913Glu).

Fulgent Genetics
Classification: Uncertain significance for Cenani-Lenz syndactyly syndrome; Sclerosteosis 2; Congenital myasthenic syndrome 17. Last evaluated: 2022-03-24. Review status: criteria provided, single submitter. Criteria: ACMG Guidelines, 2015. Collection method: clinical testing. Allele origin: unknown.